The following is an entry in ClinVar:

ClinVar aggregate classification (germline): Uncertain significance (1 of 4 stars; one submission).

Conditions:
Hereditary cancer-predisposing syndrome. Also called: Neoplastic Syndromes, Hereditary; Hereditary Cancer Syndrome; Tumor predisposition; Hereditary neoplastic syndrome. Identifiers: Orphanet 140162, MedGen C0027672, MeSH D009386, MONDO:0015356.

Submission:

Ambry Genetics
Classification: Uncertain significance for Hereditary cancer-predisposing syndrome. Last evaluated: 2022-12-12. Review status: criteria provided, single submitter. Criteria: Ambry Variant Classification Scheme 2023. Collection method: clinical testing. Allele origin: germline.
Comment: The p.D1136H variant (also known as c.3406G>C), located in coding exon 21 of the TSC1 gene, results from a G to C substitution at nucleotide position 3406. The aspartic acid at codon 1136 is replaced by histidine, an amino acid with similar properties. This amino acid position is conserved. In addition, the in silico prediction for this alteration is inconclusive. Since supporting evidence is limited at this time, the clinical significance of this alteration remains unclear.

NM_000368.5(TSC1):c.3406G>C (p.Asp1136His)

Gene: TSC1 (TSC complex subunit 1; minus strand). Cytogenetic location: 9q34.13.
Variant type: single nucleotide variant.
Coding change: c.3406G>C on transcript NM_000368.5 (MANE Select); coding-DNA position 3406, G replaced by C.
Protein change: p.Asp1136His; replaces aspartic acid 1136 with histidine.
Molecular consequence: missense variant. On other transcripts: non-coding transcript variant (5).
Genome position (GRCh38, 1-based): chr9:132,896,324, C>G on the plus strand (G>C on the coding strand, the complement: TSC1 is on the minus strand). VCF-style: chr9-132896324-C-G. GRCh37 (hg19) VCF-style: chr9-135771711-C-G.
Other names: c.3403G>C, p.Asp1135His (NM_001162426.2, NM_001406597.1, NM_001406598.1 and 2 more transcripts); c.3253G>C, p.Asp1085His (NM_001162427.2, NM_001406610.1); c.3043G>C, p.Asp1015His (NM_001362177.2, NM_001406614.1, NM_001406615.1 and 4 more transcripts); c.3406G>C, p.Asp1136His (NM_001406592.1, NM_001406593.1, NM_001406594.1 and 2 more transcripts); c.3391G>C, p.Asp1131His (NM_001406601.1, NM_001406602.1); c.3388G>C, p.Asp1130His (NM_001406603.1, NM_001406604.1); c.3364G>C, p.Asp1122His (NM_001406605.1, NM_001406606.1, NM_001406607.1); c.3361G>C, p.Asp1121His (NM_001406608.1, NM_001406609.1); and 8 more; short protein forms D1000H, D1015H, D1121H, D1001H, D1084H, D1085H, D1122H, D1131H.
Identifiers: ClinVar variation 2447871 (VCV002447871.2), dbSNP rs2131589546, ClinGen allele CA375366437.